The following is an entry in ClinVar:

NM_007363.5(NONO):c.1240C>T (p.Pro414Ser)

Gene: NONO (non-POU domain containing octamer binding; plus strand). Cytogenetic location: Xq13.1.
Variant type: single nucleotide variant.
Coding change: c.1240C>T on transcript NM_007363.5 (MANE Select); coding-DNA position 1240, C replaced by T.
Protein change: p.Pro414Ser; replaces proline 414 with serine.
Molecular consequence: missense variant.
Genome position (GRCh38, 1-based): chrX:71,298,775, C>T. VCF-style: chrX-71298775-C-T. GRCh37 (hg19) VCF-style: chrX-70518625-C-T.
Other names: c.1240C>T, p.Pro414Ser (NM_001145408.2, NM_001145409.2); c.973C>T, p.Pro325Ser (NM_001145410.2); short protein forms P414S, P325S.
Identifiers: ClinVar variation 3731202 (VCV003731202.1).

ClinVar aggregate classification (germline): Uncertain significance (1 of 4 stars; one submission).

Submission:

GeneDx
Classification: Uncertain significance. Last evaluated: 2024-08-14. Review status: criteria provided, single submitter. Criteria: GeneDx Variant Classification Process June 2021. Collection method: clinical testing. Allele origin: germline. Affected: yes.
Comment: Not observed at significant frequency in large population cohorts (gnomAD); In silico analysis indicates that this missense variant does not alter protein structure/function; Has not been previously published as pathogenic or benign to our knowledge